The following is an entry in ClinVar:

ClinVar aggregate classification (germline): Uncertain significance (1 of 4 stars; one submission).

Conditions:
RASopathy. Also called: rasopathies; Noonan spectrum disorder. Identifiers: Orphanet 536391, MedGen C5555857, MONDO:0021060.

Submission:

Labcorp Genetics (formerly Invitae), Labcorp
Classification: Uncertain significance for RASopathy. Last evaluated: 2024-01-08. Review status: criteria provided, single submitter. Criteria: Invitae Variant Classification Sherloc (09022015). Collection method: clinical testing. Allele origin: germline.
Comment: This sequence change replaces isoleucine, which is neutral and non-polar, with valine, which is neutral and non-polar, at codon 154 of the RAF1 protein (p.Ile154Val). This variant is not present in population databases (gnomAD no frequency). This variant has not been reported in the literature in individuals affected with RAF1-related conditions. Advanced modeling of protein sequence and biophysical properties (such as structural, functional, and spatial information, amino acid conservation, physicochemical variation, residue mobility, and thermodynamic stability) has been performed at Invitae for this missense variant, however the output from this modeling did not meet the statistical confidence thresholds required to predict the impact of this variant on RAF1 protein function. In summary, the available evidence is currently insufficient to determine the role of this variant in disease. Therefore, it has been classified as a Variant of Uncertain Significance.

NM_002880.4(RAF1):c.460A>G (p.Ile154Val)

Gene: RAF1 (Raf-1 proto-oncogene, serine/threonine kinase; minus strand). Cytogenetic location: 3p25.2.
Variant type: single nucleotide variant.
Coding change: c.460A>G on transcript NM_002880.4 (MANE Select); coding-DNA position 460, A replaced by G.
Protein change: p.Ile154Val; replaces isoleucine 154 with valine.
Molecular consequence: missense variant. On other transcripts: non-coding transcript variant (3).
Genome position (GRCh38, 1-based): chr3:12,608,887, T>C on the plus strand (A>G on the coding strand, the complement: RAF1 is on the minus strand). VCF-style: chr3-12608887-T-C. GRCh37 (hg19) VCF-style: chr3-12650386-T-C.
Other names: c.460A>G, p.Ile154Val (NM_001354689.3, NM_001354690.3, NM_001354693.3); c.217A>G, p.Ile73Val (NM_001354691.3, NM_001354692.3, NM_001354694.3 and 1 more transcripts); short protein forms I154V, I73V.
Identifiers: ClinVar variation 2708332 (VCV002708332.3), dbSNP rs2470378491, ClinGen allele CA351517454.